The following is an entry in ClinVar:

NM_144997.7(FLCN):c.576G>T (p.Lys192Asn)

Gene: FLCN (folliculin; minus strand). Cytogenetic location: 17p11.2.
Variant type: single nucleotide variant.
Coding change: c.576G>T on transcript NM_144997.7 (MANE Select); coding-DNA position 576, G replaced by T.
Protein change: p.Lys192Asn; replaces lysine 192 with asparagine.
Molecular consequence: missense variant.
Genome position (GRCh38, 1-based): chr17:17,223,964, C>A on the plus strand (G>T on the coding strand, the complement: FLCN is on the minus strand). VCF-style: chr17-17223964-C-A. GRCh37 (hg19) VCF-style: chr17-17127278-C-A.
Other names: c.630G>T, p.Lys210Asn (NM_001353229.2); c.576G>T, p.Lys192Asn (NM_001353230.2, NM_001353231.2, NM_144606.7); short protein forms K192N, K210N.
Identifiers: ClinVar variation 1749542 (VCV001749542.2), dbSNP rs2047172833, ClinGen allele CA398534253.
Genomic context (GRCh38, chr17:17,223,964, plus strand): 5'-CCTCATCTCTGAATTCACCTTGAGCGCCTTGCCCTGGAGCTCATCGATGATTCCCCGGAC[C>A]TTCCCCAGCAGGAAGGGCCAGGAGTTGATGAGGTAGATCCGGTCCATCATGATGGTGATG-3'
Protein context (NP_659434.2, residues 182-202): LINSWPFLLG[Lys192Asn]VRGIIDELQG

ClinVar aggregate classification (germline): Uncertain significance (1 of 4 stars; one submission).

Conditions:
Hereditary cancer-predisposing syndrome. Also called: Hereditary Cancer Syndrome; Hereditary neoplastic syndrome; Neoplastic Syndromes, Hereditary; Tumor predisposition. Identifiers: Orphanet 140162, MedGen C0027672, MeSH D009386, MONDO:0015356.

Submission:

Ambry Genetics
Classification: Uncertain significance for Hereditary cancer-predisposing syndrome. Last evaluated: 2021-12-13. Review status: criteria provided, single submitter. Criteria: Ambry Variant Classification Scheme 2023. Collection method: clinical testing. Allele origin: germline.
Comment: The p.K192N variant (also known as c.576G>T), located in coding exon 3 of the FLCN gene, results from a G to T substitution at nucleotide position 576. The lysine at codon 192 is replaced by asparagine, an amino acid with similar properties. This amino acid position is not well conserved in available vertebrate species. In addition, this alteration is predicted to be tolerated by in silico analysis. Since supporting evidence is limited at this time, the clinical significance of this alteration remains unclear.